The following is an entry in ClinVar:

ClinVar aggregate classification (germline): Conflicting classifications of pathogenicity. Review status: criteria provided, conflicting classifications (1 of 4 stars). 4 submissions from 4 submitters: Uncertain significance (2); Likely benign (1). 1 of the submissions does not count toward it. Last evaluated 2026-02-16.

Conditions:
Glycogen storage disease type III (GSD3). Also called: FORBES DISEASE; Cori disease. Identifiers: Orphanet 366, MedGen C0017922, MONDO:0009291, OMIM 232400.

Allele frequency attached by ClinVar (database versions not stated): gnomAD 0.00002 and 0.00003; gnomAD exomes 0.00004 and 0.00009; TOPMed 0.00004; ExAC 0.00011; 1000 Genomes Project 0.00020; 1000 Genomes Project 30x 0.00031.
gnomAD v4.1: 70 of 1,614,024 alleles (0.0043%); highest among the groups gnomAD compares: South Asian, 0.03%; 1 homozygote.

Submissions (4):

Centre for Medical Genetics,  Mumbai
Classification: Likely benign for Glycogen storage disease type III. Last evaluated: 2026-02-16. Review status: criteria provided, single submitter. Criteria: ACMG Guidelines, 2015. Collection method: provider interpretation. Allele origin: germline. Inheritance: Autosomal recessive inheritance. Affected: no. Observed: 1 homozygote.
Comment: The variant satisfies PM2 criteria; Extremely low frequency in gnomAD population databases. The variant satisfies BS2 criteria; Variant was observed in a homozygous state in population databases more than expected for disease. However, the variant satisfies BS2 criteria.

Labcorp Genetics (formerly Invitae), Labcorp
Classification: Uncertain significance for Glycogen storage disease type III. Last evaluated: 2024-10-15. Review status: criteria provided, single submitter. Criteria: Invitae Variant Classification Sherloc (09022015). Collection method: clinical testing. Allele origin: germline.
Comment: This sequence change replaces lysine, which is basic and polar, with glutamic acid, which is acidic and polar, at codon 1396 of the AGL protein (p.Lys1396Glu). This variant is present in population databases (rs539403694, gnomAD 0.03%). This variant has not been reported in the literature in individuals affected with AGL-related conditions. ClinVar contains an entry for this variant (Variation ID: 970616). Invitae Evidence Modeling of protein sequence and biophysical properties (such as structural, functional, and spatial information, amino acid conservation, physicochemical variation, residue mobility, and thermodynamic stability) indicates that this missense variant is not expected to disrupt AGL protein function with a negative predictive value of 80%. In summary, the available evidence is currently insufficient to determine the role of this variant in disease. Therefore, it has been classified as a Variant of Uncertain Significance.

ARUP Laboratories, Molecular Genetics and Genomics, ARUP Laboratories
Classification: Uncertain significance. Last evaluated: 2023-09-21. Review status: criteria provided, single submitter. Criteria: ARUP Molecular Germline Variant Investigation Process 2024. Collection method: clinical testing. Allele origin: germline.
Comment: The AGL c.4186A>G; p.Lys1396Glu variant (rs539403694), to our knowledge, is not reported in the medical literature but is reported in ClinVar (Variation ID: 970616). This variant is found in the general population with an overall allele frequency of 0.008% (24/282476 alleles) in the Genome Aggregation Database. The lysine at codon 1396 is moderately conserved, but computational analyses are uncertain whether this variant is neutral or deleterious (REVEL: 0.215). Due to limited information, the clinical significance of this variant is uncertain at this time.

Natera, Inc.
Classification: Uncertain significance for Glycogen storage disease type III. Last evaluated: 2020-01-21. Review status: no assertion criteria provided. Collection method: clinical testing. Allele origin: germline. Not counted in ClinVar's aggregate classification.

Literature cited by the submitters: PubMed 8755644 (cited by Centre for Medical Genetics,  Mumbai).

NM_000642.3(AGL):c.4186A>G (p.Lys1396Glu)

Gene: AGL (amylo-alpha-1,6-glucosidase and 4-alpha-glucanotransferase; plus strand). Cytogenetic location: 1p21.2.
Variant type: single nucleotide variant.
Coding change: c.4186A>G on transcript NM_000642.3 (MANE Select); coding-DNA position 4186, A replaced by G.
Protein change: p.Lys1396Glu; replaces lysine 1396 with glutamic acid.
Molecular consequence: missense variant.
Genome position (GRCh38, 1-based): chr1:99,915,413, A>G. VCF-style: chr1-99915413-A-G. GRCh37 (hg19) VCF-style: chr1-100380969-A-G.
Other names: c.4186A>G, p.Lys1396Glu (NM_000028.3, NM_000643.3, NM_000644.3 and 1 more transcripts); c.4138A>G, p.Lys1380Glu (NM_000646.3); c.4165A>G, p.Lys1389Glu (NM_001425326.1); c.3985A>G, p.Lys1329Glu (NM_001425327.1); c.3982A>G, p.Lys1328Glu (NM_001425328.1); c.3847A>G, p.Lys1283Glu (NM_001425329.1); c.3808A>G, p.Lys1270Glu (NM_001425332.1); short protein forms K1380E, K1396E, K1270E, K1283E, K1328E, K1329E, K1389E.
Identifiers: ClinVar variation 970616 (VCV000970616.10), dbSNP rs539403694, ClinGen allele CA967348.